The following is an entry in ClinVar:

NM_206933.4(USH2A):c.8662G>T (p.Glu2888Ter)

Gene: USH2A (usherin; minus strand). Cytogenetic location: 1q41.
Variant type: single nucleotide variant.
Coding change: c.8662G>T on transcript NM_206933.4 (MANE Select); coding-DNA position 8662, G replaced by T.
Protein change: p.Glu2888Ter; replaces glutamic acid 2888 with a stop codon.
Molecular consequence: nonsense.
Genome position (GRCh38, 1-based): chr1:215,877,777, C>A on the plus strand (G>T on the coding strand, the complement: USH2A is on the minus strand). VCF-style: chr1-215877777-C-A. GRCh37 (hg19) VCF-style: chr1-216051119-C-A.
Other names: c.8662G>T (NM_206933.2); short protein forms E2888*.
Identifiers: ClinVar variation 3653622 (VCV003653622.3).

ClinVar aggregate classification (germline): Pathogenic. Review status: criteria provided, multiple submitters, no conflicts (2 of 4 stars). 2 submissions from 2 submitters: Pathogenic (2). Last evaluated 2026-07-17.

Conditions:
Inborn genetic diseases. Identifiers: MedGen C0950123, MeSH D030342.

Submissions (2):

Ambry Genetics
Classification: Pathogenic for Inborn genetic diseases. Last evaluated: 2026-07-17. Review status: criteria provided, single submitter. Criteria: Ambry Variant Classification Scheme 2023. Collection method: clinical testing. Allele origin: germline.
Comment: The c.8662G>T (p.E2888*) alteration, located in exon 43 (coding exon 42) of the USH2A gene, consists of a G to T substitution at nucleotide position 8662. This changes the amino acid from a glutamic acid (E) to a stop codon at amino acid position 2888. This variant is expected to result in loss of function by premature protein truncation or nonsense-mediated mRNA decay. This variant was not reported in population-based cohorts in the Genome Aggregation Database (gnomAD). Based on the available evidence, this alteration is classified as pathogenic.

Labcorp Genetics (formerly Invitae), Labcorp
Classification: Pathogenic. Last evaluated: 2024-05-16. Review status: criteria provided, single submitter. Criteria: Invitae Variant Classification Sherloc (09022015). Collection method: clinical testing. Allele origin: germline.
Comment: This sequence change creates a premature translational stop signal (p.Glu2888*) in the USH2A gene. It is expected to result in an absent or disrupted protein product. Loss-of-function variants in USH2A are known to be pathogenic (PMID: 10729113, 10909849, 20507924, 25649381). This variant is not present in population databases (gnomAD no frequency). This variant has not been reported in the literature in individuals affected with USH2A-related conditions. Algorithms developed to predict the effect of sequence changes on RNA splicing suggest that this variant may disrupt the consensus splice site. For these reasons, this variant has been classified as Pathogenic.

Literature cited by the submitters: PubMed 10729113 (cited by Labcorp Genetics (formerly Invitae), Labcorp); PubMed 10909849 (cited by Labcorp Genetics (formerly Invitae), Labcorp); PubMed 20507924 (cited by Labcorp Genetics (formerly Invitae), Labcorp); PubMed 25649381 (cited by Labcorp Genetics (formerly Invitae), Labcorp).